The following is an entry in ClinVar:

ClinVar aggregate classification (germline): Uncertain significance (1 of 4 stars; one submission).

Submission:

GeneDx
Classification: Uncertain significance. Last evaluated: 2020-02-18. Review status: criteria provided, single submitter. Criteria: GeneDx Variant Classification Process June 2021. Collection method: clinical testing. Allele origin: germline. Affected: yes.
Comment: Not observed in large population cohorts (Lek et al., 2016); In silico analysis supports that this missense variant does not alter protein structure/function; Has not been previously published as pathogenic or benign to our knowledge

NM_001282531.3(ADNP):c.3302A>G (p.Gln1101Arg)

Gene: ADNP (activity dependent neuroprotector homeobox; minus strand). Cytogenetic location: 20q13.13.
Variant type: single nucleotide variant.
Coding change: c.3302A>G on transcript NM_001282531.3 (MANE Select); coding-DNA position 3302, A replaced by G.
Protein change: p.Gln1101Arg; replaces glutamine 1101 with arginine.
Molecular consequence: missense variant.
Genome position (GRCh38, 1-based): chr20:50,891,412, T>C on the plus strand (A>G on the coding strand, the complement: ADNP is on the minus strand). VCF-style: chr20-50891412-T-C. GRCh37 (hg19) VCF-style: chr20-49507949-T-C.
Other names: c.3302A>G, p.Gln1101Arg (NM_001282532.2, NM_001347511.2, NM_015339.5 and 1 more transcripts); short protein forms Q1101R.
Identifiers: ClinVar variation 1312755 (VCV001312755.2), dbSNP rs2122733075, ClinGen allele CA408966630.
Genomic context (GRCh38, chr20:50,891,412, plus strand): 5'-GGATATCAGAGTTCCAGGCTGCAGCATGTCACCAACGCCAGGGAACCTGGCACTTAGGCC[T>C]GTTGGCTGCTCAGTTTAACTCCGGCTAAGCTGCCATGCATGGGCTCAGCTACTCCATCAG-3'
Protein context (NP_001269460.1, residues 1091-1102): SLAGVKLSSQ[Gln1101Arg]A